The following is an entry in ClinVar:

NM_025225.3(PNPLA3):c.*626A>G

Gene: PNPLA3 (patatin like domain 3, 1-acylglycerol-3-phosphate O-acyltransferase; plus strand). Cytogenetic location: 22q13.31.
Variant type: single nucleotide variant.
Coding change: c.*626A>G on transcript NM_025225.3 (MANE Select); 626 bases downstream of the stop codon, A replaced by G.
Molecular consequence: 3 prime UTR variant.
Genome position (GRCh38, 1-based): chr22:43,947,008, A>G. VCF-style: chr22-43947008-A-G. GRCh37 (hg19) VCF-style: chr22-44342888-A-G.
Identifiers: ClinVar variation 341953 (VCV000341953.6), dbSNP rs564752977, ClinGen allele CA10653623.

ClinVar aggregate classification (germline): Likely benign. Review status: criteria provided, multiple submitters, no conflicts (2 of 4 stars). 2 submissions from 2 submitters: Likely benign (2). Last evaluated 2018-01-13.

Conditions:
NAFLD1 (FLD1). Also called: FATTY LIVER DISEASE, SUSCEPTIBILITY TO, 1; Fatty liver disease, nonalcoholic 1. Identifiers: MedGen C2750440, MONDO:0021105, OMIM 613282.

Allele frequency attached by ClinVar (database versions not stated): gnomAD 0.00001 and 0.00008; gnomAD exomes 0.00033; 1000 Genomes Project 0.00060; 1000 Genomes Project 30x 0.00062.
gnomAD v4.1: 50 of 274,226 alleles (0.018%); highest among the groups gnomAD compares: South Asian, 0.18%; 1 homozygote.

Submissions (2):

Illumina Laboratory Services, Illumina
Classification: Likely benign for NAFLD1. Last evaluated: 2018-01-13. Review status: criteria provided, single submitter. Criteria: ICSL Variant Classification Criteria 13 December 2019. Collection method: clinical testing. Allele origin: germline.
Comment: This variant was observed in the ICSL laboratory as part of a predisposition screen in an ostensibly healthy population. It had not been previously curated by ICSL or reported in the Human Gene Mutation Database (HGMD: prior to June 1st, 2018), and was therefore a candidate for classification through an automated scoring system. Utilizing variant allele frequency, disease prevalence and penetrance estimates, and inheritance mode, an automated score was calculated to assess if this variant is too frequent to cause the disease. Based on the score and internal cut-off values, a variant classified as likely benign is not then subjected to further curation. The score for this variant resulted in a classification of likely benign for this disease.

Breakthrough Genomics
Classification: Likely benign. Review status: criteria provided, single submitter. Criteria: ACMG Guidelines, 2015. Collection method: not provided. Allele origin: germline. Inheritance: Unknown mechanism. Affected: yes.